The following is an entry in ClinVar:

ClinVar aggregate classification (germline): Uncertain significance (1 of 4 stars; one submission).

Conditions:
Koolen-de Vries syndrome (KDVS). Identifiers: Orphanet 96169, MedGen C1864871, MONDO:0012496, OMIM 610443.

gnomAD v4.1: 1 of 1,614,202 alleles (0.000062%); highest among the groups gnomAD compares: African/African-American, 0.0013%; no homozygotes.

Submission:

Labcorp Genetics (formerly Invitae), Labcorp
Classification: Uncertain significance for Koolen-de Vries syndrome. Last evaluated: 2018-01-28. Review status: criteria provided, single submitter. Criteria: Invitae Variant Classification Sherloc (09022015). Collection method: clinical testing. Allele origin: germline.
Comment: Algorithms developed to predict the effect of missense changes on protein structure and function output the following: SIFT: "Tolerated"; PolyPhen-2: "Benign"; Align-GVGD: "Class C0". The phenylalanine amino acid residue is found in multiple mammalian species, suggesting that this missense change does not adversely affect protein function. These predictions have not been confirmed by published functional studies and their clinical significance is uncertain. In summary, the available evidence is currently insufficient to determine the role of this variant in disease. Therefore, it has been classified as a Variant of Uncertain Significance. This variant has not been reported in the literature in individuals with KANSL1-related disease. This sequence change replaces leucine with phenylalanine at codon 703 of the KANSL1 protein (p.Leu703Phe). The leucine residue is moderately conserved and there is a small physicochemical difference between leucine and phenylalanine. This variant is not present in population databases (ExAC no frequency).

NM_015443.4(KANSL1):c.2109A>T (p.Leu703Phe)

Gene: KANSL1 (KAT8 regulatory NSL complex subunit 1). Cytogenetic location: 17q21.31.
Variant type: single nucleotide variant.
Coding change: c.2109A>T on transcript NM_015443.4 (MANE Select); coding-DNA position 2109, A replaced by T.
Protein change: p.Leu703Phe; replaces leucine 703 with phenylalanine.
Molecular consequence: missense variant.
Genome position (GRCh38, 1-based): chr17:46,039,796, T>A on the plus strand (A>T on the coding strand, the complement: KANSL1 is on the minus strand). VCF-style: chr17-46039796-T-A. GRCh37 (hg19) VCF-style: chr17-44117162-T-A.
Other names: c.2109A>T, p.Leu703Phe (NM_001193466.2, NM_001379198.1, NM_001193465.2); short protein forms L703F.
Identifiers: ClinVar variation 567132 (VCV000567132.8), dbSNP rs34101027, ClinGen allele CA399982381.
Genomic context (GRCh38, chr17:46,039,796, plus strand): 5'-CCTGTCCTTACGAGCTGAATCTGGCAGACTGCCCGGCATGGGTGCTCTGTGCTTAAGCGA[T>A]AACTTTTTGGGAGGTTTGATTTTGTCAAAAGGCTTGTTCTGCCACTGAGATTTCAGCATG-3'
Protein context (NP_056258.1, residues 693-713): PFDKIKPPKK[Leu703Phe]SLKHRAPMPG